The following is an entry in ClinVar:

NM_013336.4(SEC61A1):c.353-5T>C

Gene: SEC61A1 (SEC61 translocon subunit alpha 1; plus strand). Cytogenetic location: 3q21.3.
Variant type: single nucleotide variant.
Coding change: c.353-5T>C on transcript NM_013336.4 (MANE Select); 5 bases into the intron before coding-DNA position 353, T replaced by C.
Molecular consequence: intron variant.
Genome position (GRCh38, 1-based): chr3:128,060,097, T>C. VCF-style: chr3-128060097-T-C. GRCh37 (hg19) VCF-style: chr3-127778940-T-C.
Other names: c.371-5T>C (NM_001400328.1); c.194-5T>C (NM_001400329.1).
Identifiers: ClinVar variation 3009957 (VCV003009957.3), dbSNP rs1941831432, ClinGen allele CA1400537155.

ClinVar aggregate classification (germline): Uncertain significance (1 of 4 stars; one submission).

Allele frequency attached by ClinVar (database versions not stated): gnomAD exomes below 0.00001.

Submission:

Labcorp Genetics (formerly Invitae), Labcorp
Classification: Uncertain significance. Last evaluated: 2025-12-03. Review status: criteria provided, single submitter. Criteria: Invitae Variant Classification Sherloc (09022015). Collection method: clinical testing. Allele origin: germline.
Comment: This sequence change falls in intron 5 of the SEC61A1 gene. It does not directly change the encoded amino acid sequence of the SEC61A1 protein. This variant is not present in population databases (gnomAD no frequency). This variant has not been reported in the literature in individuals affected with SEC61A1-related conditions. ClinVar contains an entry for this variant (Variation ID: 3009957). Algorithms developed to predict the effect of sequence changes on RNA splicing suggest that this variant may disrupt the consensus splice site. In summary, the available evidence is currently insufficient to determine the role of this variant in disease. Therefore, it has been classified as a Variant of Uncertain Significance.